The following is an entry in ClinVar:

NM_032447.5(FBN3):c.7850G>A (p.Arg2617Gln)

Gene: FBN3 (fibrillin 3; minus strand). Cytogenetic location: 19p13.2.
Variant type: single nucleotide variant.
Coding change: c.7850G>A on transcript NM_032447.5 (MANE Select); coding-DNA position 7850, G replaced by A.
Protein change: p.Arg2617Gln; replaces arginine 2617 with glutamine.
Molecular consequence: missense variant.
Genome position (GRCh38, 1-based): chr19:8,073,150, C>T on the plus strand (G>A on the coding strand, the complement: FBN3 is on the minus strand). VCF-style: chr19-8073150-C-T. GRCh37 (hg19) VCF-style: chr19-8138034-C-T.
Other names: c.7850G>A, p.Arg2617Gln (NM_001321431.2); short protein forms R2617Q.
Identifiers: ClinVar variation 2465613 (VCV002465613.7), dbSNP rs774056144, ClinGen allele CA9150726.

ClinVar aggregate classification (germline): Uncertain significance. Review status: criteria provided, multiple submitters, no conflicts (2 of 4 stars). 2 submissions from 2 submitters: Uncertain significance (2). Last evaluated 2026-02-01.

gnomAD v4.1: 11 of 1,613,772 alleles (0.00068%); highest among the groups gnomAD compares: East Asian, 0.0067%; no homozygotes.

Submissions (2):

CeGaT Center for Human Genetics Tuebingen
Classification: Uncertain significance. Last evaluated: 2026-02-01. Review status: criteria provided, single submitter. Criteria: CeGaT Center For Human Genetics Tuebingen Variant Classification Criteria Version 2. Collection method: clinical testing. Allele origin: germline. Affected: yes. Observed: 1 variant allele.
Comment: FBN3: PM2, BP4

Ambry Genetics
Classification: Uncertain significance. Last evaluated: 2025-03-26. Review status: criteria provided, single submitter. Criteria: Ambry Variant Classification Scheme 2023. Collection method: clinical testing. Allele origin: germline.